The following is an entry in ClinVar:

NM_014727.3(KMT2B):c.6193G>C (p.Asp2065His)

Gene: KMT2B (lysine methyltransferase 2B; plus strand). Cytogenetic location: 19q13.12.
Variant type: single nucleotide variant.
Coding change: c.6193G>C on transcript NM_014727.3 (MANE Select); coding-DNA position 6193, G replaced by C.
Protein change: p.Asp2065His; replaces aspartic acid 2065 with histidine.
Molecular consequence: missense variant.
Genome position (GRCh38, 1-based): chr19:35,732,742, G>C. VCF-style: chr19-35732742-G-C. GRCh37 (hg19) VCF-style: chr19-36223643-G-C.
Other names: short protein forms D2065H.
Identifiers: ClinVar variation 2015213 (VCV002015213.4), dbSNP rs2513352396, ClinGen allele CA405426020.

ClinVar aggregate classification (germline): Uncertain significance (1 of 4 stars; one submission).

Submission:

Labcorp Genetics (formerly Invitae), Labcorp
Classification: Uncertain significance. Last evaluated: 2022-07-08. Review status: criteria provided, single submitter. Criteria: Invitae Variant Classification Sherloc (09022015). Collection method: clinical testing. Allele origin: germline.
Comment: This variant has not been reported in the literature in individuals affected with KMT2B-related conditions. Algorithms developed to predict the effect of missense changes on protein structure and function are either unavailable or do not agree on the potential impact of this missense change (SIFT: "Tolerated"; PolyPhen-2: "Not Available"; Align-GVGD: "Class C0"). In summary, the available evidence is currently insufficient to determine the role of this variant in disease. Therefore, it has been classified as a Variant of Uncertain Significance. This sequence change replaces aspartic acid, which is acidic and polar, with histidine, which is basic and polar, at codon 2065 of the KMT2B protein (p.Asp2065His). This variant is not present in population databases (gnomAD no frequency).